The following is an entry in ClinVar:

ClinVar aggregate classification (germline): Benign. Review status: criteria provided, multiple submitters, no conflicts (2 of 4 stars). 4 submissions from 4 submitters: Benign (4). Last evaluated 2026-02-03.

Conditions:
Retinitis pigmentosa (RP). Identifiers: Orphanet 791, MedGen C0035334, MeSH D012174, MONDO:0019200, OMIM 268000. Inheritance: Autosomal dominant, autosomal recessive and X linked inheritance.
Retinal dystrophy. Also called: Inherited retinal dystrophy. Identifiers: Orphanet 71862, MedGen C0854723, MeSH D058499, MONDO:0019118, HP:0000556.

Allele frequency attached by ClinVar (database versions not stated): 1000 Genomes Project 0.01438; 1000 Genomes Project 30x 0.01483; TOPMed 0.02476; gnomAD 0.02743 and 0.02784; ESP Exome Variant Server 0.02768; ExAC 0.02899; gnomAD exomes 0.02931 and 0.03506.
gnomAD v4.1: 55,329 of 1,614,154 alleles (3.4%); highest among the groups gnomAD compares: Middle Eastern, 4.2%; 1,076 homozygotes.

Submissions (4):

Labcorp Genetics (formerly Invitae), Labcorp
Classification: Benign. Last evaluated: 2026-02-03. Review status: criteria provided, single submitter. Criteria: Invitae Variant Classification Sherloc (09022015). Collection method: clinical testing. Allele origin: germline.

Dept Of Ophthalmology, Nagoya University
Classification: Benign for Retinal dystrophy. Last evaluated: 2023-10-01. Review status: criteria provided, single submitter. Criteria: Submitter's publication. Collection method: research. Allele origin: germline. Affected: yes.

Illumina Laboratory Services, Illumina
Classification: Benign for Retinitis pigmentosa. Last evaluated: 2018-01-13. Review status: criteria provided, single submitter. Criteria: ICSL Variant Classification Criteria 13 December 2019. Collection method: clinical testing. Allele origin: germline.
Comment: This variant was observed in the ICSL laboratory as part of a predisposition screen in an ostensibly healthy population. It had not been previously curated by ICSL or reported in the Human Gene Mutation Database (HGMD: prior to June 1st, 2018), and was therefore a candidate for classification through an automated scoring system. Utilizing variant allele frequency, disease prevalence and penetrance estimates, and inheritance mode, an automated score was calculated to assess if this variant is too frequent to cause the disease. Based on the score and internal cut-off values, a variant classified as benign is not then subjected to further curation. The score for this variant resulted in a classification of benign for this disease.

Breakthrough Genomics
Classification: Benign. Review status: criteria provided, single submitter. Criteria: ACMG Guidelines, 2015. Collection method: not provided. Allele origin: germline. Inheritance: Autosomal dominant inheritance. Affected: yes.

NM_006445.4(PRPF8):c.6294G>A (p.Lys2098=)

Gene: PRPF8 (pre-mRNA processing factor 8; minus strand). Cytogenetic location: 17p13.3.
Variant type: single nucleotide variant.
Coding change: c.6294G>A on transcript NM_006445.4 (MANE Select); coding-DNA position 6294, G replaced by A.
Protein change: p.Lys2098=; no amino-acid change (lysine 2098 retained).
Molecular consequence: synonymous variant.
Genome position (GRCh38, 1-based): chr17:1,653,617, C>T on the plus strand (G>A on the coding strand, the complement: PRPF8 is on the minus strand). VCF-style: chr17-1653617-C-T. GRCh37 (hg19) VCF-style: chr17-1556911-C-T.
Identifiers: ClinVar variation 321875 (VCV000321875.14), dbSNP rs11559309, ClinGen allele CA8271217.